The following is an entry in ClinVar:

NM_004448.4(ERBB2):c.2256C>G (p.Ile752Met)

Gene: ERBB2 (erb-b2 receptor tyrosine kinase 2; plus strand). Cytogenetic location: 17q12.
Variant type: single nucleotide variant.
Coding change: c.2256C>G on transcript NM_004448.4 (MANE Select); coding-DNA position 2256, C replaced by G.
Protein change: p.Ile752Met; replaces isoleucine 752 with methionine.
Molecular consequence: missense variant. On other transcripts: non-coding transcript variant (1), intron variant (3).
Genome position (GRCh38, 1-based): chr17:39,723,959, C>G. VCF-style: chr17-39723959-C-G. GRCh37 (hg19) VCF-style: chr17-37880212-C-G.
Other names: c.2166C>G, p.Ile722Met (NM_001382782.1, NM_001382783.1, NM_001005862.3); c.2373C>G, p.Ile791Met (NM_001382784.1); c.2358C>G, p.Ile786Met (NM_001382785.1); c.2337C>G, p.Ile779Met (NM_001382786.1); c.2331C>G, p.Ile777Met (NM_001382787.1); c.2286C>G, p.Ile762Met (NM_001382788.1); c.2277C>G, p.Ile759Met (NM_001382789.1); c.2253C>G, p.Ile751Met (NM_001382790.1); and 11 more; short protein forms I476M, I738M, I740M, I749M, I759M, I762M, I779M, I791M.
Identifiers: ClinVar variation 2836455 (VCV002836455.3), dbSNP rs2544445549, ClinGen allele CA399302574.

ClinVar aggregate classification (germline): Uncertain significance (1 of 4 stars; one submission).

Submission:

Labcorp Genetics (formerly Invitae), Labcorp
Classification: Uncertain significance. Last evaluated: 2023-02-11. Review status: criteria provided, single submitter. Criteria: Invitae Variant Classification Sherloc (09022015). Collection method: clinical testing. Allele origin: germline.
Comment: This sequence change replaces isoleucine, which is neutral and non-polar, with methionine, which is neutral and non-polar, at codon 752 of the ERBB2 protein (p.Ile752Met). This variant is not present in population databases (gnomAD no frequency). This variant has not been reported in the literature in individuals affected with ERBB2-related conditions. Advanced modeling of protein sequence and biophysical properties (such as structural, functional, and spatial information, amino acid conservation, physicochemical variation, residue mobility, and thermodynamic stability) performed at Invitae indicates that this missense variant is expected to disrupt ERBB2 protein function. In summary, the available evidence is currently insufficient to determine the role of this variant in disease. Therefore, it has been classified as a Variant of Uncertain Significance.